The following is an entry in ClinVar:

NM_198428.3(BBS9):c.2258A>T (p.Glu753Val)

Gene: BBS9 (Bardet-Biedl syndrome 9; plus strand). Cytogenetic location: 7p14.3.
Variant type: single nucleotide variant.
Coding change: c.2258A>T on transcript NM_198428.3 (MANE Select); coding-DNA position 2258, A replaced by T.
Protein change: p.Glu753Val; replaces glutamic acid 753 with valine.
Molecular consequence: missense variant. On other transcripts: non-coding transcript variant (3), intron variant (1).
Genome position (GRCh38, 1-based): chr7:33,505,605, A>T. VCF-style: chr7-33505605-A-T. GRCh37 (hg19) VCF-style: chr7-33545217-A-T.
Other names: c.2153A>T, p.Glu718Val (NM_001033604.2); c.2243A>T, p.Glu748Val (NM_001033605.2); c.2258A>T, p.Glu753Val (NM_001348036.1, NM_001348041.4, NM_001348043.3 and 1 more transcripts); c.1985A>T, p.Glu662Val (NM_001348038.3); c.1880A>T, p.Glu627Val (NM_001348039.3); c.2138A>T, p.Glu713Val (NM_001348040.3, NM_014451.4); c.2123A>T, p.Glu708Val (NM_001348042.3); c.1787A>T, p.Glu596Val (NM_001348044.3); and 2 more; short protein forms E753V, E627V, E631V, E748V, E713V, E662V, E708V, E596V.
Identifiers: ClinVar variation 383539 (VCV000383539.32), dbSNP rs61764068, ClinGen allele CA4214639.

ClinVar aggregate classification (germline): Conflicting classifications of pathogenicity. Review status: criteria provided, conflicting classifications (1 of 4 stars). 9 submissions from 9 submitters: Uncertain significance (3); Likely benign (4). 2 of the submissions do not count toward it. Last evaluated 2026-04-01.

Conditions:
BBS9-related disorder. Also called: BBS9-related condition.
Retinal dystrophy. Also called: Inherited retinal dystrophy. Identifiers: Orphanet 71862, MedGen C0854723, MeSH D058499, MONDO:0019118, HP:0000556.
Inborn genetic diseases. Identifiers: MedGen C0950123, MeSH D030342.
Bardet-Biedl syndrome 9 (BBS9). Identifiers: Orphanet 110, MedGen C1859567, MONDO:0014437, OMIM 615986.
Bardet-Biedl syndrome (BBS). Identifiers: Orphanet 110, MedGen C0752166, MONDO:0015229.

Allele frequency attached by ClinVar (database versions not stated): 1000 Genomes Project 30x 0.00031; 1000 Genomes Project 0.00040; gnomAD 0.00066 and 0.00068; ExAC 0.00077; TOPMed 0.00078; gnomAD exomes 0.00080 and 0.00084; ESP Exome Variant Server 0.00085.
gnomAD v4.1: 1,355 of 1,614,004 alleles (0.084%); highest among the groups gnomAD compares: South Asian, 0.13%; 2 homozygotes.

Submissions (16):

CeGaT Center for Human Genetics Tuebingen
Classification: Likely benign. Last evaluated: 2026-04-01. Review status: criteria provided, single submitter. Criteria: CeGaT Center For Human Genetics Tuebingen Variant Classification Criteria Version 2. Collection method: clinical testing. Allele origin: germline. Affected: yes. Observed: 2 variant alleles.
Comment: BBS9: BP4, BS2

Labcorp Genetics (formerly Invitae), Labcorp
Classification: Likely benign for Bardet-Biedl syndrome. Last evaluated: 2026-01-28. Review status: criteria provided, single submitter. Criteria: Invitae Variant Classification Sherloc (09022015). Collection method: clinical testing. Allele origin: germline.

Blueprint Genetics
Classification: Likely benign. Last evaluated: 2024-10-30. Review status: criteria provided, single submitter. Criteria: ACMG Guidelines, 2015. Collection method: clinical testing. Allele origin: germline.

Institute of Human Genetics, Univ. Regensburg, Univ. Regensburg
Classification: Uncertain significance for Retinal dystrophy. Last evaluated: 2023-01-01. Review status: criteria provided, single submitter. Criteria: ACMG Guidelines, 2015. Collection method: clinical testing. Allele origin: germline. Affected: yes.

GeneDx
Classification: Uncertain significance. Last evaluated: 2022-10-12. Review status: criteria provided, single submitter. Criteria: GeneDx Variant Classification Process June 2021. Collection method: clinical testing. Allele origin: germline. Affected: yes.
Comment: Observed multiple times with a second variant in unrelated patients in published literature, but it is not known whether the variants occurred on the same (in cis) or on different (in trans) chromosomes in all cases (Lee et al., 2015; Comander et al., 2017; Kleinendorst et al., 2018); In silico analysis supports that this missense variant has a deleterious effect on protein structure/function; This variant is associated with the following publications: (PMID: 29970488, 25910913, 28981474, 31888296)

Ambry Genetics
Classification: Likely benign for Inborn genetic diseases. Last evaluated: 2022-01-06. Review status: criteria provided, single submitter. Criteria: Ambry Variant Classification Scheme 2023. Collection method: clinical testing. Allele origin: germline.

Illumina Laboratory Services, Illumina
Classification: Uncertain significance for Bardet-Biedl syndrome 9. Last evaluated: 2018-01-13. Review status: criteria provided, single submitter. Criteria: ICSL Variant Classification Criteria 13 December 2019. Collection method: clinical testing. Allele origin: germline.

PreventionGenetics, part of Exact Sciences
Classification: Likely benign for BBS9-related condition. Last evaluated: 2022-06-30. Review status: no assertion criteria provided. Collection method: clinical testing. Allele origin: germline. Not counted in ClinVar's aggregate classification.
Comment: This variant is classified as likely benign based on ACMG/AMP sequence variant interpretation guidelines (Richards et al. 2015 PMID: 25741868, with internal and published modifications).

Department of Pathology and Laboratory Medicine, Sinai Health System
Classification: Uncertain significance. Review status: no assertion criteria provided. Collection method: clinical testing. Allele origin: unknown. Affected: yes. Study: The Canadian Open Genetics Repository (COGR). Not counted in ClinVar's aggregate classification.
Comment: The BBS9 p.Glu708Val variant was not identified in the literature but was identified in dbSNP (ID: rs61764068), ClinVar (classified as a VUS by GeneDx), Cosmic (FATHMM prediction of pathogenic; score=0.99), and LOVD 3.0. The variant was identified in control databases in 211 of 282262 chromosomes at a frequency of 0.000748 increasing the likelihood this could be a low frequency benign variant (Genome Aggregation Database Feb 27, 2017). The variant was observed in the following populations: Ashkenazi Jewish in 41 of 10348 chromosomes (freq: 0.003962), South Asian in 33 of 30614 chromosomes (freq: 0.001078), European (non-Finnish) in 118 of 128672 chromosomes (freq: 0.000917), African in 7 of 24972 chromosomes (freq: 0.00028), Latino in 9 of 35394 chromosomes (freq: 0.000254), Other in 1 of 7202 chromosomes (freq: 0.000139) and European (Finnish) in 2 of 25114 chromosomes (freq: 0.00008); it was not observed in the East Asian population. The variant occurs outside of the splicing consensus sequence and 3 of 4 in silico or computational prediction software programs (SpliceSiteFinder, NNSPLICE, and GeneSplicer) do not predict a difference in splicing. The p.Glu708 residue is conserved in mammals but not in more distantly related organisms, and four out of five computational analyses (PolyPhen-2, SIFT, BLOSUM, and MutationTaster) suggest that the variant may impact the protein; however, this information is not predictive enough to assume pathogenicity. In summary, based on the above information the clinical significance of this variant cannot be determined with certainty at this time. This variant is classified as a variant of uncertain significance.

Dr. Peter K. Rogan Lab, Western University
No classification provided (evidence only). Condition: Clear cell carcinoma of kidney. Review status: no classification provided. Collection method: in vitro. Allele origin: not applicable. Functional consequence: retained intron. Not counted in ClinVar's aggregate classification.

Dr. Peter K. Rogan Lab, Western University
No classification provided (evidence only). Condition: Lung cancer. Review status: no classification provided. Collection method: in vitro. Allele origin: not applicable. Functional consequence: retained intron. Not counted in ClinVar's aggregate classification.

Dr. Peter K. Rogan Lab, Western University
No classification provided (evidence only). Condition: Familial cancer of breast. Review status: no classification provided. Collection method: in vitro. Allele origin: not applicable. Functional consequence: retained intron. Not counted in ClinVar's aggregate classification.

Dr. Peter K. Rogan Lab, Western University
No classification provided (evidence only). Condition: Sarcoma. Review status: no classification provided. Collection method: in vitro. Allele origin: not applicable. Functional consequence: retained intron. Not counted in ClinVar's aggregate classification.

Dr. Peter K. Rogan Lab, Western University
No classification provided (evidence only). Condition: Sarcoma. Review status: no classification provided. Collection method: in vitro. Allele origin: not applicable. Functional consequence: retained intron. Not counted in ClinVar's aggregate classification.

Dr. Peter K. Rogan Lab, Western University
No classification provided (evidence only). Condition: Ovarian serous cystadenocarcinoma. Review status: no classification provided. Collection method: in vitro. Allele origin: not applicable. Functional consequence: retained intron. Not counted in ClinVar's aggregate classification.

Dr. Peter K. Rogan Lab, Western University
No classification provided (evidence only). Condition: Adrenocortical carcinoma, hereditary. Review status: no classification provided. Collection method: in vitro. Allele origin: not applicable. Functional consequence: retained intron. Not counted in ClinVar's aggregate classification.

Literature cited by the submitters: PubMed 25910913 (cited by Institute of Human Genetics, Univ. Regensburg, Univ. Regensburg); PubMed 28981474 (cited by Institute of Human Genetics, Univ. Regensburg, Univ. Regensburg); PubMed 29970488 (cited by Institute of Human Genetics, Univ. Regensburg, Univ. Regensburg); PubMed 31888296 (cited by Institute of Human Genetics, Univ. Regensburg, Univ. Regensburg and Ambry Genetics).